The following is an entry in ClinVar:

NM_000180.4(GUCY2D):c.1403T>C (p.Leu468Pro)

Gene: GUCY2D (guanylate cyclase 2D, retinal; plus strand). Cytogenetic location: 17p13.1.
Variant type: single nucleotide variant.
Coding change: c.1403T>C on transcript NM_000180.4 (MANE Select); coding-DNA position 1403, T replaced by C.
Protein change: p.Leu468Pro; replaces leucine 468 with proline.
Molecular consequence: missense variant.
Genome position (GRCh38, 1-based): chr17:8,007,084, T>C. VCF-style: chr17-8007084-T-C. GRCh37 (hg19) VCF-style: chr17-7910402-T-C.
Other names: short protein forms L468P.
Identifiers: ClinVar variation 1420678 (VCV001420678.9), dbSNP rs1406502907, ClinGen allele CA397948742.

ClinVar aggregate classification (germline): Uncertain significance. Review status: criteria provided, multiple submitters, no conflicts (2 of 4 stars). 2 submissions from 2 submitters: Uncertain significance (2). Last evaluated 2024-04-26.

Conditions:
Cone-rod dystrophy 6 (CORD6). Also called: RETINAL CONE DYSTROPHY 2; Cone dystrophy progressive. Identifiers: Orphanet 1872, MedGen C1866293, MONDO:0011143, OMIM 601777.
Leber congenital amaurosis 1 (LCA1). Also called: Congenital absence of the rods and cones; Leber's congenital tapetoretinal degeneration; Leber's congenital tapetoretinal dysplasia; RETINAL BLINDNESS, CONGENITAL; AMAUROSIS CONGENITA OF LEBER I. Identifiers: Orphanet 65, MedGen C2931258, MONDO:0008764, OMIM 204000.

Allele frequency attached by ClinVar (database versions not stated): TOPMed below 0.00001; gnomAD 0.00001; gnomAD exomes 0.00001.

Submissions (2):

Labcorp Genetics (formerly Invitae), Labcorp
Classification: Uncertain significance for Leber congenital amaurosis 1; Cone-rod dystrophy 6. Last evaluated: 2024-04-26. Review status: criteria provided, single submitter. Criteria: Invitae Variant Classification Sherloc (09022015). Collection method: clinical testing. Allele origin: germline.
Comment: This sequence change replaces leucine, which is neutral and non-polar, with proline, which is neutral and non-polar, at codon 468 of the GUCY2D protein (p.Leu468Pro). This variant is not present in population databases (gnomAD no frequency). This missense change has been observed in individual(s) with clinical features of autosomal dominant retinitis pigmentosa (Invitae). It has also been observed to segregate with disease in related individuals. ClinVar contains an entry for this variant (Variation ID: 1420678). Advanced modeling of protein sequence and biophysical properties (such as structural, functional, and spatial information, amino acid conservation, physicochemical variation, residue mobility, and thermodynamic stability) performed at Invitae indicates that this missense variant is not expected to disrupt GUCY2D protein function with a negative predictive value of 80%. In summary, the available evidence is currently insufficient to determine the role of this variant in disease. Therefore, it has been classified as a Variant of Uncertain Significance.

Blueprint Genetics
Classification: Uncertain significance. Last evaluated: 2021-08-12. Review status: criteria provided, single submitter. Criteria: ACMG Guidelines, 2015. Collection method: clinical testing. Allele origin: germline.